The following is an entry in ClinVar:

ClinVar aggregate classification (germline): Uncertain significance. Review status: criteria provided, multiple submitters, no conflicts (2 of 4 stars). 2 submissions from 2 submitters: Uncertain significance (2). Last evaluated 2026-05-30.

Conditions:
Hereditary cancer-predisposing syndrome. Also called: Tumor predisposition; Hereditary neoplastic syndrome; Neoplastic Syndromes, Hereditary; Hereditary Cancer Syndrome. Identifiers: Orphanet 140162, MedGen C0027672, MeSH D009386, MONDO:0015356.
Oligodontia-cancer predisposition syndrome. Also called: TOOTH AGENESIS-COLORECTAL CANCER SYNDROME. Identifiers: Orphanet 300576, MedGen C1837750, MONDO:0012075, OMIM 608615. Disease mechanism: loss of function.

Submissions (2):

Ambry Genetics
Classification: Uncertain significance for Hereditary cancer-predisposing syndrome. Last evaluated: 2026-05-30. Review status: criteria provided, single submitter. Criteria: Ambry Variant Classification Scheme 2023. Collection method: clinical testing. Allele origin: germline.
Comment: The p.G216R variant (also known as c.646G>C), located in coding exon 1 of the AXIN2 gene, results from a G to C substitution at nucleotide position 646. The glycine at codon 216 is replaced by arginine, an amino acid with dissimilar properties. This amino acid position is conserved. In addition, the in silico prediction for this alteration is inconclusive. Based on the available evidence, the clinical significance of this variant remains unclear.

Labcorp Genetics (formerly Invitae), Labcorp
Classification: Uncertain significance for Oligodontia-cancer predisposition syndrome. Last evaluated: 2024-01-24. Review status: criteria provided, single submitter. Criteria: Invitae Variant Classification Sherloc (09022015). Collection method: clinical testing. Allele origin: germline.
Comment: This sequence change replaces glycine, which is neutral and non-polar, with arginine, which is basic and polar, at codon 216 of the AXIN2 protein (p.Gly216Arg). This variant is not present in population databases (gnomAD no frequency). This variant has not been reported in the literature in individuals affected with AXIN2-related conditions. Advanced modeling of protein sequence and biophysical properties (such as structural, functional, and spatial information, amino acid conservation, physicochemical variation, residue mobility, and thermodynamic stability) performed at Invitae indicates that this missense variant is not expected to disrupt AXIN2 protein function with a negative predictive value of 80%. In summary, the available evidence is currently insufficient to determine the role of this variant in disease. Therefore, it has been classified as a Variant of Uncertain Significance.

NM_004655.4(AXIN2):c.646G>C (p.Gly216Arg)

Gene: AXIN2 (axin 2; minus strand). Cytogenetic location: 17q24.1.
Variant type: single nucleotide variant.
Coding change: c.646G>C on transcript NM_004655.4 (MANE Select); coding-DNA position 646, G replaced by C.
Protein change: p.Gly216Arg; replaces glycine 216 with arginine.
Molecular consequence: missense variant.
Genome position (GRCh38, 1-based): chr17:65,557,975, C>G on the plus strand (G>C on the coding strand, the complement: AXIN2 is on the minus strand). VCF-style: chr17-65557975-C-G. GRCh37 (hg19) VCF-style: chr17-63554093-C-G.
Other names: c.646G>C, p.Gly216Arg (NM_001363813.1); short protein forms G216R.
Identifiers: ClinVar variation 2711129 (VCV002711129.4), dbSNP rs1555583315, ClinGen allele CA400680576.